The following is an entry in ClinVar:

NM_006947.4(SRP72):c.1331C>T (p.Pro444Leu)

Gene: SRP72 (signal recognition particle 72; plus strand). Cytogenetic location: 4q12.
Variant type: single nucleotide variant.
Coding change: c.1331C>T on transcript NM_006947.4 (MANE Select); coding-DNA position 1331, C replaced by T.
Protein change: p.Pro444Leu; replaces proline 444 with leucine.
Molecular consequence: missense variant. On other transcripts: non-coding transcript variant (1).
Genome position (GRCh38, 1-based): chr4:56,490,343, C>T. VCF-style: chr4-56490343-C-T. GRCh37 (hg19) VCF-style: chr4-57356509-C-T.
Other names: c.1331C>T (NM_006947.3); c.1148C>T, p.Pro383Leu (NM_001267722.2); short protein forms P383L, P444L.
Identifiers: ClinVar variation 1488381 (VCV001488381.7), dbSNP rs1720863602, ClinGen allele CA357001490.

ClinVar aggregate classification (germline): Uncertain significance. Review status: criteria provided, multiple submitters, no conflicts (2 of 4 stars). 2 submissions from 2 submitters: Uncertain significance (2). Last evaluated 2025-05-03.

Submissions (2):

Ambry Genetics
Classification: Uncertain significance. Last evaluated: 2025-05-03. Review status: criteria provided, single submitter. Criteria: Ambry Variant Classification Scheme 2023. Collection method: clinical testing. Allele origin: germline.
Comment: The p.P444L variant (also known as c.1331C>T), located in coding exon 14 of the SRP72 gene, results from a C to T substitution at nucleotide position 1331. The proline at codon 444 is replaced by leucine, an amino acid with similar properties. This amino acid position is conserved. In addition, this alteration is predicted to be tolerated by in silico analysis. Based on the available evidence, the clinical significance of this variant remains unclear.

Labcorp Genetics (formerly Invitae), Labcorp
Classification: Uncertain significance. Last evaluated: 2022-03-26. Review status: criteria provided, single submitter. Criteria: Invitae Variant Classification Sherloc (09022015). Collection method: clinical testing. Allele origin: germline.
Comment: This variant has not been reported in the literature in individuals affected with SRP72-related conditions. Algorithms developed to predict the effect of missense changes on protein structure and function (SIFT, PolyPhen-2, Align-GVGD) all suggest that this variant is likely to be tolerated. This variant is not present in population databases (gnomAD no frequency). In summary, the available evidence is currently insufficient to determine the role of this variant in disease. Therefore, it has been classified as a Variant of Uncertain Significance. This sequence change replaces proline, which is neutral and non-polar, with leucine, which is neutral and non-polar, at codon 444 of the SRP72 protein (p.Pro444Leu).